The following is an entry in ClinVar:

ClinVar aggregate classification (germline): Likely pathogenic (1 of 4 stars; one submission).

Conditions:
Intellectual developmental disorder, autosomal recessive 66. Also called: Intellectual disability, autosomal recessive 66; Mental retardation, autosomal recessive 66. Identifiers: MedGen C4748732, MONDO:0032605, OMIM 618221.

Submission:

Johns Hopkins Genomics, Johns Hopkins University
Classification: Likely pathogenic for Intellectual developmental disorder, autosomal recessive 66. Last evaluated: 2020-05-28. Review status: criteria provided, single submitter. Criteria: ACMG Guidelines, 2015. Collection method: clinical testing. Allele origin: germline.
Comment: This multi-exon deletion of C12orf4 is rare (<0.1%) in a large population dataset and has an entry in DGV. This deletion affects exons 7 and 8 of the C12orf4 gene and includes a 6-bp insertion (TTATGA) at the deletion breakpoint that introduces an in-frame stop codon. This variant has been reported in a homozygous state in a single patient with autosomal recessive intellectual disability. We consider this deletion to be likely pathogenic.

Literature cited by the submitters: PubMed 27311568; PubMed 31334606.

NM_020374.4(FERRY3):c.799_1034-429delinsTTATGA

Gene: FERRY3 (FERRY endosomal RAB5 effector complex subunit 3; minus strand). Cytogenetic location: 12p13.32.
Variant type: Indel.
Coding change: c.799_1034-429delinsTTATGA on transcript NM_020374.4 (MANE Select); coding-DNA position 799 through 429 bases into the intron before coding-DNA position 1034, the reference bases replaced by TTATGA.
Molecular consequence: splice acceptor variant, splice donor variant. On other transcripts: initiator codon variant (1).
Genome position (GRCh38, 1-based): chr12:4,517,618-4,518,810, 1,193 bases replaced. GRCh37 (hg19): chr12:4,626,784-4,627,976.
Other names: c.-17-555_182-429delinsTTATGA (NM_001352962.2); c.280_514+440delinsTTATGA (NM_001346157.2); c.280_515-429delinsTTATGA (NM_001346156.2); c.799_1033+440delinsTTATGA (NM_001346155.2, NM_001346153.2); c.799_1034-429delinsTTATGA (NM_001304811.2).
Identifiers: ClinVar variation 977084 (VCV000977084.2), ClinGen allele CA1139662470.